The following is an entry in ClinVar:

ClinVar aggregate classification (germline): Pathogenic. Review status: reviewed by expert panel (3 of 4 stars). 8 submissions from 8 submitters: Pathogenic (1). 7 of the submissions do not count toward it. Last evaluated 2016-10-18.

Conditions:
Malignant tumor of breast. Also called: Malignant breast neoplasm; Cancer breast. Identifiers: MedGen C0006142, MONDO:0007254. Disease mechanism: loss of function.
Hereditary cancer-predisposing syndrome. Also called: Tumor predisposition; Neoplastic Syndromes, Hereditary; Hereditary neoplastic syndrome; Hereditary Cancer Syndrome. Identifiers: Orphanet 140162, MedGen C0027672, MeSH D009386, MONDO:0015356.
Hereditary breast ovarian cancer syndrome. Also called: Hereditary breast and ovarian cancer; Hereditary breast and ovarian cancer syndrome (HBOC); Hereditary breast and/or ovarian cancer syndrome; Breast and ovarian cancer; Hereditary breast and ovarian cancer syndrome; BRCA1- and BRCA2-Associated Hereditary Breast and Ovarian Cancer. Identifiers: Orphanet 145, MedGen C0677776, MeSH D061325, MONDO:0003582. Disease mechanism: loss of function.
Breast and/or ovarian cancer. Identifiers: MedGen CN221562.
Breast-ovarian cancer, familial, susceptibility to, 2 (BROVCA2). Also called: BRCA2 Hereditary Breast and Ovarian Cancer. Identifiers: Orphanet 145, MedGen C2675520, MONDO:0012933, OMIM 612555. Disease mechanism: loss of function.

Submissions (8):

Evidence-based Network for the Interpretation of Germline Mutant Alleles (ENIGMA)
Classification: Pathogenic for Breast-ovarian cancer, familial, susceptibility to, 2. Last evaluated: 2016-10-18. Review status: reviewed by expert panel. Criteria: ENIGMA BRCA1/2 Classification Criteria (2015). Collection method: curation. Allele origin: germline.
Comment: Variant allele predicted to encode a truncated non-functional protein.

Ambry Genetics
Classification: Pathogenic for Hereditary cancer-predisposing syndrome. Last evaluated: 2024-10-16. Review status: criteria provided, single submitter. Criteria: Ambry Variant Classification Scheme 2023. Collection method: clinical testing. Allele origin: germline. Not counted in ClinVar's aggregate classification.
Comment: The c.1560_1561delTT pathogenic mutation, located in coding exon 9 of the BRCA2 gene, results from a deletion of two nucleotides at nucleotide positions 1560 to 1561, causing a translational frameshift with a predicted alternate stop codon (p.S521Rfs*5). This variant is considered to be rare based on population cohorts in the Genome Aggregation Database (gnomAD). This alteration is expected to result in loss of function by premature protein truncation or nonsense-mediated mRNA decay. As such, this alteration is interpreted as a disease-causing mutation.

Women's Health and Genetics/Laboratory Corporation of America, LabCorp
Classification: Pathogenic for Hereditary breast ovarian cancer syndrome. Last evaluated: 2024-09-05. Review status: criteria provided, single submitter. Criteria: LabCorp Variant Classification Summary - May 2015. Collection method: clinical testing. Allele origin: germline. Not counted in ClinVar's aggregate classification.
Comment: Variant summary: BRCA2 c.1560_1561delTT (p.Ser521ArgfsX5) results in a premature termination codon, predicted to cause a truncation of the encoded protein or absence of the protein due to nonsense mediated decay, which are commonly known mechanisms for disease. The variant was absent in 234680 control chromosomes (gnomAD). c.1560_1561delTT has been reported in the literature in individuals with increased risk of breast and ovarian cancers (Rebbeck_2018). The following publication have been ascertained in the context of this evaluation (PMID: 29446198). ClinVar contains an entry for this variant (Variation ID: 266644). Based on the evidence outlined above, the variant was classified as pathogenic.

Labcorp Genetics (formerly Invitae), Labcorp
Classification: Pathogenic for Hereditary breast ovarian cancer syndrome. Last evaluated: 2023-09-26. Review status: criteria provided, single submitter. Criteria: Invitae Variant Classification Sherloc (09022015). Collection method: clinical testing. Allele origin: germline. Not counted in ClinVar's aggregate classification.
Comment: For these reasons, this variant has been classified as Pathogenic. ClinVar contains an entry for this variant (Variation ID: 266644). This premature translational stop signal has been observed in individual(s) with increased risk of breast and/or ovarian cancer (PMID: 29446198). This variant is not present in population databases (gnomAD no frequency). This sequence change creates a premature translational stop signal (p.Ser521Argfs*5) in the BRCA2 gene. It is expected to result in an absent or disrupted protein product. Loss-of-function variants in BRCA2 are known to be pathogenic (PMID: 20104584).

Color Diagnostics, LLC DBA Color Health
Classification: Pathogenic for Hereditary cancer-predisposing syndrome. Last evaluated: 2020-07-22. Review status: criteria provided, single submitter. Criteria: ACMG Guidelines, 2015. Collection method: clinical testing. Allele origin: germline. Not counted in ClinVar's aggregate classification.
Comment: This variant deletes 2 nucleotides in exon 10 of the BRCA2 gene, creating a frameshift and premature translation stop signal. This variant is expected to result in an absent or non-functional protein product. This variant has been reported in one at-risk family for hereditary breast/ovarian cancer (PMID: 29446198). This variant has not been identified in the general population by the Genome Aggregation Database (gnomAD). Loss of BRCA2 function is a known mechanism of disease. Based on the available evidence, this variant is classified as Pathogenic.

Consortium of Investigators of Modifiers of BRCA1/2 (CIMBA), c/o University of Cambridge
Classification: Pathogenic for Breast-ovarian cancer, familial, susceptibility to, 2. Last evaluated: 2015-10-02. Review status: criteria provided, single submitter. Criteria: CIMBA Mutation Classification guidelines May 2016. Collection method: clinical testing. Allele origin: germline. Not counted in ClinVar's aggregate classification.

CZECANCA consortium
Classification: Pathogenic for Breast and/or ovarian cancer. Last evaluated: 2019-06-11. Review status: no assertion criteria provided. Collection method: clinical testing. Allele origin: germline. Affected: yes. Observed: 1 variant allele. Not counted in ClinVar's aggregate classification.

Department of Pathology and Laboratory Medicine, Sinai Health System
Classification: Pathogenic for Malignant tumor of breast. Review status: no assertion criteria provided. Collection method: clinical testing. Allele origin: unknown. Affected: yes. Study: The Canadian Open Genetics Repository (COGR). Not counted in ClinVar's aggregate classification.
Comment: The BRCA2 p.Ser521ArgfsX5 variant was not identified in the literature nor was it identified in the dbSNP, NHLBI Exome Sequencing Project (Exome Variant Server), HGMD, LOVD, COSMIC, UMD, ClinVar, or BIC databases. The p.Ser521ArgfsX5 deletion variant is predicted to cause a frameshift, which alters the protein's amino acid sequence beginning at codon 521 and leads to a premature stop codon 5 codons downstream. This alteration is then predicted to result in a truncated or absent protein and loss of function. Loss of function variants of the BRCA2 gene are an established mechanism of disease in hereditary breast and ovarian cancer and is the type of variant expected to cause the disorder. In summary, based on the above information, this variant meets our laboratoryâ€šÃ„Ã´s criteria to be classified as pathogenic.

Literature cited by the submitters: PubMed 29446198 (cited by Women's Health and Genetics/Laboratory Corporation of America, LabCorp and Labcorp Genetics (formerly Invitae), Labcorp); PubMed 20104584 (cited by Labcorp Genetics (formerly Invitae), Labcorp); PubMed 32295079 (cited by CZECANCA consortium).

NM_000059.4(BRCA2):c.1560_1561del (p.Ser521fs)

Gene: BRCA2 (BRCA2 DNA repair associated; plus strand). Cytogenetic location: 13q13.1.
Variant type: Deletion.
Coding change: c.1560_1561del on transcript NM_000059.4 (MANE Select); coding-DNA positions 1560 to 1561, 2 bases deleted (TT; older notation c.1560_1561delTT).
Protein change: p.Ser521fs; shifts the reading frame from serine 521.
Molecular consequence: frameshift variant.
Genome position (GRCh38, 1-based): chr13:32,333,038-32,333,039, TT deleted; deleting any 2 consecutive bases within chr13:32,333,035-32,333,039 gives the same sequence; the c. name uses the placement nearest the transcript's 3' end. VCF-style (leftmost placement, unchanged base first): chr13-32333034-GTT-G. GRCh37 (hg19) VCF-style: chr13-32907171-GTT-G.
Other names: 1788delTT; c.1560_1561delTT (NM_000059.3, NM_000059.4); c.1557_1558del (NM_000059.3).
Identifiers: ClinVar variation 266644 (VCV000266644.25), dbSNP rs886040374, ClinGen allele CA10589103.